The following is an entry in ClinVar:

ClinVar aggregate classification (germline): Likely pathogenic (1 of 4 stars; one submission).

Conditions:
Pan-Chung-Bellen syndrome. Identifiers: MedGen C5975547, MONDO:0975953, OMIM 621049.

Submission:

Human Genetics Bochum, Ruhr University Bochum
Classification: Likely pathogenic for Pan-Chung-Bellen syndrome. Last evaluated: 2026-06-09. Review status: criteria provided, single submitter. Criteria: ACMG Guidelines, 2015. Collection method: clinical testing. Allele origin: germline. Affected: yes.
Comment: ACMG criteria used to clasify this variant: PVS1, PM2_SUP

NM_015030.2(FRYL):c.5954_5955del (p.Lys1985fs)

Gene: FRYL (FRY like transcription coactivator; minus strand). Cytogenetic location: 4p11.
Variant type: Deletion.
Coding change: c.5954_5955del on transcript NM_015030.2 (MANE Select); coding-DNA positions 5954 to 5955, 2 bases deleted (AA; older notation c.5954_5955delAA).
Protein change: p.Lys1985fs; shifts the reading frame from lysine 1985.
Molecular consequence: frameshift variant.
Genome position (GRCh38, 1-based): chr4:48,540,693-48,540,694, TT deleted on the plus strand (AA on the coding strand, the reverse complement: FRYL is on the minus strand); deleting any 2 consecutive bases within chr4:48,540,693-48,540,695 gives the same sequence; the c. name uses the placement nearest the transcript's 3' end. VCF-style (leftmost placement, unchanged base first): chr4-48540692-CTT-C. GRCh37 (hg19) VCF-style: chr4-48542709-CTT-C.
Other names: short protein forms K1985fs.
Identifiers: ClinVar variation 4876779 (VCV004876779.1), dbSNP rs2476586622.
Genomic context (GRCh38, chr4:48,540,692, plus strand): 5'-TCCAAAAAATGGTGGCCATCAAGTTGGTAGGCTCAGTAGTGGACTGCACGTCATACATTC[CTT>C]TCTCTCTTAGAGAGGAAAGGCTTCTAGTCCTTGCTAAACTACTGCTATGGTTTATCCGTC-3'